The following is an entry in ClinVar:

NM_014297.5(ETHE1):c.725C>T (p.Pro242Leu)

Gene: ETHE1 (ETHE1 persulfide dioxygenase; minus strand). Cytogenetic location: 19q13.31.
Variant type: single nucleotide variant.
Coding change: c.725C>T on transcript NM_014297.5 (MANE Select); coding-DNA position 725, C replaced by T.
Protein change: p.Pro242Leu; replaces proline 242 with leucine.
Molecular consequence: missense variant.
Genome position (GRCh38, 1-based): chr19:43,506,890, G>A on the plus strand (C>T on the coding strand, the complement: ETHE1 is on the minus strand). VCF-style: chr19-43506890-G-A. GRCh37 (hg19) VCF-style: chr19-44011042-G-A.
Other names: c.692C>T, p.Pro231Leu (NM_001320867.2); c.356C>T, p.Pro119Leu (NM_001320868.2); c.431C>T, p.Pro144Leu (NM_001320869.2); short protein forms P119L, P231L, P144L, P242L.
Identifiers: ClinVar variation 894210 (VCV000894210.5), dbSNP rs753671768, ClinGen allele CA9487732.

ClinVar aggregate classification (germline): Uncertain significance. Review status: criteria provided, multiple submitters, no conflicts (2 of 4 stars). 2 submissions from 2 submitters: Uncertain significance (2). Last evaluated 2022-08-21.

Conditions:
Ethylmalonic encephalopathy (EE). Also called: EPEMA syndrome; Encephalopathy, petechiae, and ethylmalonic aciduria; Syndrome of encephalopathy, petechiae, and ethylmalonic aciduria. Identifiers: Orphanet 51188, MedGen C1865349, MONDO:0011229, OMIM 602473. Disease mechanism: loss of function.

Allele frequency attached by ClinVar (database versions not stated): gnomAD exomes below 0.00001 and 0.00001; ExAC 0.00001.
gnomAD v4.1: 2 of 1,613,844 alleles (0.00012%); highest among the groups gnomAD compares: Admixed American, 0.0017%; no homozygotes.

Submissions (2):

Labcorp Genetics (formerly Invitae), Labcorp
Classification: Uncertain significance for Ethylmalonic encephalopathy. Last evaluated: 2022-08-21. Review status: criteria provided, single submitter. Criteria: Invitae Variant Classification Sherloc (09022015). Collection method: clinical testing. Allele origin: germline.
Comment: This sequence change replaces proline, which is neutral and non-polar, with leucine, which is neutral and non-polar, at codon 242 of the ETHE1 protein (p.Pro242Leu). The frequency data for this variant in the population databases is considered unreliable, as metrics indicate poor data quality at this position in the gnomAD database. This variant has not been reported in the literature in individuals affected with ETHE1-related conditions. ClinVar contains an entry for this variant (Variation ID: 894210). Advanced modeling of protein sequence and biophysical properties (such as structural, functional, and spatial information, amino acid conservation, physicochemical variation, residue mobility, and thermodynamic stability) performed at Invitae indicates that this missense variant is expected to disrupt ETHE1 protein function. In summary, the available evidence is currently insufficient to determine the role of this variant in disease. Therefore, it has been classified as a Variant of Uncertain Significance.

Illumina Laboratory Services, Illumina
Classification: Uncertain significance for Ethylmalonic encephalopathy. Last evaluated: 2018-01-13. Review status: criteria provided, single submitter. Criteria: ICSL Variant Classification Criteria 13 December 2019. Collection method: clinical testing. Allele origin: germline.